The following is an entry in ClinVar:

ClinVar aggregate classification (germline): Uncertain significance (1 of 4 stars; one submission).

Conditions:
Severe combined immunodeficiency due to DNA-PKcs deficiency. Also called: Immunodeficiency 26 with or without neurologic abnormalities; IMMUNODEFICIENCY 26 WITH NEUROLOGIC ABNORMALITIES. Identifiers: Orphanet 317425, MedGen C4014833, MONDO:0014423, OMIM 615966.

Submission:

Labcorp Genetics (formerly Invitae), Labcorp
Classification: Uncertain significance for Severe combined immunodeficiency due to DNA-PKcs deficiency. Last evaluated: 2019-06-05. Review status: criteria provided, single submitter. Criteria: Invitae Variant Classification Sherloc (09022015). Collection method: clinical testing. Allele origin: germline.
Comment: This sequence change replaces isoleucine with asparagine at codon 1567 of the PRKDC protein (p.Ile1567Asn). The isoleucine residue is highly conserved and there is a large physicochemical difference between isoleucine and asparagine. This variant is not present in population databases (ExAC no frequency). This variant has not been reported in the literature in individuals with PRKDC-related conditions. Algorithms developed to predict the effect of missense changes on protein structure and function are either unavailable or do not agree on the potential impact of this missense change (SIFT: "Deleterious"; PolyPhen-2: "Possibly Damaging"; Align-GVGD: "Class C0"). In summary, the available evidence is currently insufficient to determine the role of this variant in disease. Therefore, it has been classified as a Variant of Uncertain Significance.

NM_006904.7(PRKDC):c.4700T>A (p.Ile1567Asn)

Gene: PRKDC (protein kinase, DNA-activated, catalytic subunit; minus strand). Cytogenetic location: 8q11.21.
Variant type: single nucleotide variant.
Coding change: c.4700T>A on transcript NM_006904.7 (MANE Select); coding-DNA position 4700, T replaced by A.
Protein change: p.Ile1567Asn; replaces isoleucine 1567 with asparagine.
Molecular consequence: missense variant.
Genome position (GRCh38, 1-based): chr8:47,886,020, A>T on the plus strand (T>A on the coding strand, the complement: PRKDC is on the minus strand). VCF-style: chr8-47886020-A-T. GRCh37 (hg19) VCF-style: chr8-48798581-A-T.
Other names: c.4700T>A, p.Ile1567Asn (NM_001081640.2); short protein forms I1567N.
Identifiers: ClinVar variation 940538 (VCV000940538.8), dbSNP rs1024106474, ClinGen allele CA176150783.